The following is an entry in ClinVar:

NM_024649.5(BBS1):c.337T>C (p.Tyr113His)

Gene: BBS1 (Bardet-Biedl syndrome 1; plus strand). Cytogenetic location: 11q13.2.
Variant type: single nucleotide variant.
Coding change: c.337T>C on transcript NM_024649.5 (MANE Select); coding-DNA position 337, T replaced by C.
Protein change: p.Tyr113His; replaces tyrosine 113 with histidine.
Molecular consequence: missense variant.
Genome position (GRCh38, 1-based): chr11:66,514,583, T>C. VCF-style: chr11-66514583-T-C. GRCh37 (hg19) VCF-style: chr11-66282054-T-C.
Other names: short protein forms Y113H.
Identifiers: ClinVar variation 1431663 (VCV001431663.5), dbSNP rs2134771484, ClinGen allele CA381456758.

ClinVar aggregate classification (germline): Uncertain significance (1 of 4 stars; one submission).

Conditions:
Bardet-Biedl syndrome (BBS). Identifiers: Orphanet 110, MedGen C0752166, MONDO:0015229.

Submission:

Labcorp Genetics (formerly Invitae), Labcorp
Classification: Uncertain significance for Bardet-Biedl syndrome. Last evaluated: 2022-06-27. Review status: criteria provided, single submitter. Criteria: Invitae Variant Classification Sherloc (09022015). Collection method: clinical testing. Allele origin: germline.
Comment: This sequence change replaces tyrosine, which is neutral and polar, with histidine, which is basic and polar, at codon 113 of the BBS1 protein (p.Tyr113His). This variant is not present in population databases (gnomAD no frequency). This variant has not been reported in the literature in individuals affected with BBS1-related conditions. Algorithms developed to predict the effect of missense changes on protein structure and function (SIFT, PolyPhen-2, Align-GVGD) all suggest that this variant is likely to be disruptive. In summary, the available evidence is currently insufficient to determine the role of this variant in disease. Therefore, it has been classified as a Variant of Uncertain Significance.